The following is an entry in ClinVar:

NM_032119.4(ADGRV1):c.2091T>G (p.Phe697Leu)

Gene: ADGRV1 (adhesion G protein-coupled receptor V1; plus strand). Cytogenetic location: 5q14.3.
Variant type: single nucleotide variant.
Coding change: c.2091T>G on transcript NM_032119.4 (MANE Select); coding-DNA position 2091, T replaced by G.
Protein change: p.Phe697Leu; replaces phenylalanine 697 with leucine.
Molecular consequence: missense variant. On other transcripts: non-coding transcript variant (1).
Genome position (GRCh38, 1-based): chr5:90,637,799, T>G. VCF-style: chr5-90637799-T-G. GRCh37 (hg19) VCF-style: chr5-89933616-T-G.
Other names: short protein forms F697L.
Identifiers: ClinVar variation 1522587 (VCV001522587.6), dbSNP rs1239545886, ClinGen allele CA360383714.

ClinVar aggregate classification (germline): Uncertain significance (1 of 4 stars; one submission).

Allele frequency attached by ClinVar (database versions not stated): gnomAD exomes below 0.00001; gnomAD 0.00001.
gnomAD v4.1: 3 of 1,613,554 alleles (0.00019%); highest among the groups gnomAD compares: Non-Finnish European, 0.00025%; no homozygotes.

Submission:

Labcorp Genetics (formerly Invitae), Labcorp
Classification: Uncertain significance. Last evaluated: 2022-08-19. Review status: criteria provided, single submitter. Criteria: Invitae Variant Classification Sherloc (09022015). Collection method: clinical testing. Allele origin: germline.
Comment: This variant has not been reported in the literature in individuals affected with ADGRV1-related conditions. This variant is present in population databases (no rsID available, gnomAD 0.007%). This sequence change replaces phenylalanine, which is neutral and non-polar, with leucine, which is neutral and non-polar, at codon 697 of the ADGRV1 protein (p.Phe697Leu). ClinVar contains an entry for this variant (Variation ID: 1522587). Algorithms developed to predict the effect of missense changes on protein structure and function (SIFT, PolyPhen-2, Align-GVGD) all suggest that this variant is likely to be tolerated. In summary, the available evidence is currently insufficient to determine the role of this variant in disease. Therefore, it has been classified as a Variant of Uncertain Significance.